The following is an entry in ClinVar:

NM_001009944.3(PKD1):c.12138+5G>C

Gene: PKD1 (polycystin 1, transient receptor potential channel interacting; minus strand). Cytogenetic location: 16p13.3.
Variant type: single nucleotide variant.
Coding change: c.12138+5G>C on transcript NM_001009944.3 (MANE Select); 5 bases into the intron after coding-DNA position 12138, G replaced by C.
Molecular consequence: intron variant.
Genome position (GRCh38, 1-based): chr16:2,090,669, C>G on the plus strand (G>C on the coding strand, the complement: PKD1 is on the minus strand). VCF-style: chr16-2090669-C-G. GRCh37 (hg19) VCF-style: chr16-2140670-C-G.
Other names: c.12135+5G>C (NM_000296.4).
Identifiers: ClinVar variation 2631407 (VCV002631407.3), dbSNP rs2544591577, ClinGen allele CA2573105898.

ClinVar aggregate classification (germline): Conflicting classifications of pathogenicity. Review status: criteria provided, conflicting classifications (1 of 4 stars). 3 submissions from 3 submitters: Likely pathogenic (1); Uncertain significance (2). Last evaluated 2026-08-21.

Conditions:
PKD1-related disorder. Also called: PKD1-related condition.
Polycystic kidney disease, adult type (PKD1). Also called: Polycystic Kidney Disease 1, Autosomal Dominant; Polycystic kidney disease 1; Polycystic kidney disease 1, severe; Polycystic Kidney, Autosomal Dominant; POLYCYSTIC KIDNEY DISEASE, ADULT, TYPE I; POLYCYSTIC KIDNEY DISEASE 1 WITH OR WITHOUT POLYCYSTIC LIVER DISEASE. Identifiers: MedGen C3149841, MONDO:0008263, OMIM 173900.

Submissions (3):

MVZ Medizinische Genetik Mainz
Classification: Likely pathogenic for Polycystic kidney disease, adult type. Last evaluated: 2026-08-21. Review status: criteria provided, single submitter. Criteria: UK Practice Guidelines For Variant Classification V4 01 2020. Collection method: clinical testing. Allele origin: germline. Inheritance: Autosomal dominant inheritance. Affected: yes. Observed: 1 variant allele.
Comment: ACMG Criteria: PS1_MOD,PS4_SUP,PM2_SUP,PP3,PP4

PreventionGenetics, part of Exact Sciences
Classification: Uncertain significance for PKD1-related condition. Last evaluated: 2023-08-21. Review status: criteria provided, single submitter. Criteria: ACMG Guidelines, 2015. Collection method: clinical testing. Allele origin: germline.
Comment: The PKD1 c.12138+5G>C variant is predicted to interfere with splicing. To our knowledge, this variant has not been reported in the literature or in a large population database, indicating this variant is rare. At this time, the clinical significance of this variant is uncertain due to the absence of conclusive functional and genetic evidence.

Juno Genomics, Hangzhou Juno Genomics, Inc
Classification: Uncertain significance for Polycystic kidney disease, adult type. Review status: criteria provided, single submitter. Criteria: ACMG Guidelines, 2015. Collection method: clinical testing. Allele origin: germline. Affected: yes.
Comment: Absent from controls (or at extremely low frequency if recessive) in Genome Aggregation Database, Exome Sequencing Project, 1000 Genomes Project, or Exome Aggregation Consortium.;Multiple lines of computational evidence support a deleterious effect on the gene or gene product (conservation, evolutionary, splicing impact, etc).;Patient's phenotype or family history is highly specific for a disease with a single genetic etiology.